The following is an entry in ClinVar:

ClinVar aggregate classification (germline): Uncertain significance (1 of 4 stars; one submission).

Submission:

Labcorp Genetics (formerly Invitae), Labcorp
Classification: Uncertain significance. Last evaluated: 2023-08-17. Review status: criteria provided, single submitter. Criteria: Invitae Variant Classification Sherloc (09022015). Collection method: clinical testing. Allele origin: germline.
Comment: This sequence change replaces glutamic acid, which is acidic and polar, with lysine, which is basic and polar, at codon 323 of the CFP protein (p.Glu323Lys). This variant is not present in population databases (gnomAD no frequency). This variant has not been reported in the literature in individuals affected with CFP-related conditions. Advanced modeling of protein sequence and biophysical properties (such as structural, functional, and spatial information, amino acid conservation, physicochemical variation, residue mobility, and thermodynamic stability) performed at Invitae indicates that this missense variant is not expected to disrupt CFP protein function. In summary, the available evidence is currently insufficient to determine the role of this variant in disease. Therefore, it has been classified as a Variant of Uncertain Significance.

NM_001145252.3(CFP):c.967G>A (p.Glu323Lys)

Gene: CFP (complement factor properdin; minus strand). Cytogenetic location: Xp11.23.
Variant type: single nucleotide variant.
Coding change: c.967G>A on transcript NM_001145252.3 (MANE Select); coding-DNA position 967, G replaced by A.
Protein change: p.Glu323Lys; replaces glutamic acid 323 with lysine.
Molecular consequence: missense variant.
Genome position (GRCh38, 1-based): chrX:47,626,493, C>T on the plus strand (G>A on the coding strand, the complement: CFP is on the minus strand). VCF-style: chrX-47626493-C-T. GRCh37 (hg19) VCF-style: chrX-47485892-C-T.
Other names: c.967G>A, p.Glu323Lys (NM_002621.2); short protein forms E323K.
Identifiers: ClinVar variation 2753560 (VCV002753560.3), dbSNP rs2519716438, ClinGen allele CA412835809.